The following is an entry in ClinVar:

ClinVar aggregate classification (germline): Likely pathogenic (1 of 4 stars; one submission).

Conditions:
Intellectual developmental disorder, X-linked 1. Also called: Atkin Flaitz Patil Smith syndrome; MENTAL RETARDATION, X-LINKED 18; MENTAL RETARDATION, X-LINKED 78; Intellectual disability, X-linked 1. Identifiers: Orphanet 777, MedGen C2931498, MONDO:0010656, OMIM 309530.

Submission:

Laboratorio de Genetica e Diagnostico Molecular, Hospital Israelita Albert Einstein
Classification: Likely pathogenic for Intellectual developmental disorder, X-linked 1. Last evaluated: 2025-08-07. Review status: criteria provided, single submitter. Criteria: ACMG Guidelines, 2015. Collection method: clinical testing. Allele origin: germline. Affected: yes.
Comment: ACMG classification criteria: PVS1 very strong, PM2 supporting

NM_001111125.3(IQSEC2):c.2688C>A (p.Tyr896Ter)

Gene: IQSEC2 (IQ motif and Sec7 domain ArfGEF 2; minus strand). Cytogenetic location: Xp11.22.
Variant type: single nucleotide variant.
Coding change: c.2688C>A on transcript NM_001111125.3 (MANE Select); coding-DNA position 2688, C replaced by A.
Protein change: p.Tyr896Ter; replaces tyrosine 896 with a stop codon.
Molecular consequence: nonsense.
Genome position (GRCh38, 1-based): chrX:53,247,030, G>T on the plus strand (C>A on the coding strand, the complement: IQSEC2 is on the minus strand). VCF-style: chrX-53247030-G-T. GRCh37 (hg19) VCF-style: chrX-53276212-G-T.
Other names: c.2688C>A, p.Tyr896Ter (NM_001410736.1, NM_001441092.1); c.2190C>A, p.Tyr730Ter (NM_001441093.1); c.1977C>A, p.Tyr659Ter (NM_001441094.1, NM_001441095.1); c.2073C>A, p.Tyr691Ter (NM_015075.2); short protein forms Y659*, Y691*, Y730*, Y896*.
Identifiers: ClinVar variation 4846820 (VCV004846820.1).